The following is an entry in ClinVar:

NM_015057.5(MYCBP2):c.4064A>C (p.Asp1355Ala)

Gene: MYCBP2 (MYC binding protein 2; minus strand). Cytogenetic location: 13q22.3.
Variant type: single nucleotide variant.
Coding change: c.4064A>C on transcript NM_015057.5 (MANE Select); coding-DNA position 4064, A replaced by C.
Protein change: p.Asp1355Ala; replaces aspartic acid 1355 with alanine.
Molecular consequence: missense variant.
Genome position (GRCh38, 1-based): chr13:77,191,685, T>G on the plus strand (A>C on the coding strand, the complement: MYCBP2 is on the minus strand). VCF-style: chr13-77191685-T-G. GRCh37 (hg19) VCF-style: chr13-77765820-T-G.
Other names: short protein forms D1355A.
Identifiers: ClinVar variation 3390462 (VCV003390462.1).

ClinVar aggregate classification (germline): Uncertain significance (1 of 4 stars; one submission).

Submission:

GeneDx
Classification: Uncertain significance. Last evaluated: 2024-06-11. Review status: criteria provided, single submitter. Criteria: GeneDx Variant Classification Process June 2021. Collection method: clinical testing. Allele origin: germline. Affected: yes.
Comment: Not observed at significant frequency in large population cohorts (gnomAD); In silico analysis supports that this missense variant has a deleterious effect on protein structure/function; Has not been previously published as pathogenic or benign to our knowledge